The following is an entry in ClinVar:

NM_007294.4(BRCA1):c.4854T>C (p.His1618=)

Gene: BRCA1 (BRCA1 DNA repair associated; minus strand). Cytogenetic location: 17q21.31.
Variant type: single nucleotide variant.
Coding change: c.4854T>C on transcript NM_007294.4 (MANE Select); coding-DNA position 4854, T replaced by C.
Protein change: p.His1618=; no amino-acid change (histidine 1618 retained).
Molecular consequence: synonymous variant. On other transcripts: intron variant (1).
Genome position (GRCh38, 1-based): chr17:43,071,060, A>G on the plus strand (T>C on the coding strand, the complement: BRCA1 is on the minus strand). VCF-style: chr17-43071060-A-G. GRCh37 (hg19) VCF-style: chr17-41223077-A-G.
Other names: c.4641T>C, p.His1547= (NM_001407571.1, NM_001407894.1, NM_001407895.1 and 12 more transcripts); c.4920T>C, p.His1640= (NM_001407581.1, NM_001407582.1); c.4917T>C, p.His1639= (NM_001407583.1, NM_001407585.1, NM_001407587.1 and 1 more transcripts); c.4914T>C, p.His1638= (NM_001407590.1, NM_001407591.1); c.4854T>C, p.His1618= (NM_001407593.1, NM_001407594.1, NM_001407596.1 and 8 more transcripts); c.4851T>C, p.His1617= (NM_001407610.1, NM_001407611.1, NM_001407612.1 and 17 more transcripts); c.4848T>C, p.His1616= (NM_001407627.1, NM_001407628.1, NM_001407629.1 and 14 more transcripts); c.4845T>C, p.His1615= (NM_001407644.1, NM_001407645.1); and 71 more.
Identifiers: ClinVar variation 479221 (VCV000479221.22), dbSNP rs750718476, ClinGen allele CA053368.

ClinVar aggregate classification (germline): Likely benign. Review status: criteria provided, multiple submitters, no conflicts (2 of 4 stars). 4 submissions from 4 submitters: Likely benign (4). Last evaluated 2025-03-23.

Conditions:
Hereditary breast ovarian cancer syndrome. Also called: Breast and ovarian cancer; Hereditary breast and/or ovarian cancer syndrome; BRCA1- and BRCA2-Associated Hereditary Breast and Ovarian Cancer; Hereditary breast and ovarian cancer syndrome; Hereditary breast and ovarian cancer syndrome (HBOC); Hereditary breast and ovarian cancer. Identifiers: Orphanet 145, MedGen C0677776, MeSH D061325, MONDO:0003582. Disease mechanism: loss of function.
Breast-ovarian cancer, familial, susceptibility to, 1 (BROVCA1). Also called: BRCA1 Hereditary Breast and Ovarian Cancer; OVARIAN CANCER, SUSCEPTIBILITY TO. Identifiers: Orphanet 145, MedGen C2676676, MONDO:0011450, OMIM 604370. Disease mechanism: loss of function.
Hereditary cancer-predisposing syndrome. Also called: Tumor predisposition; Hereditary Cancer Syndrome; Hereditary neoplastic syndrome; Neoplastic Syndromes, Hereditary. Identifiers: Orphanet 140162, MedGen C0027672, MeSH D009386, MONDO:0015356.

Allele frequency attached by ClinVar (database versions not stated): gnomAD exomes below 0.00001; ExAC 0.00001.
gnomAD v4.1: 2 of 1,614,188 alleles (0.00012%); highest among the groups gnomAD compares: Non-Finnish European, 0.00017%; no homozygotes.

Submissions (4):

Labcorp Genetics (formerly Invitae), Labcorp
Classification: Likely benign for Hereditary breast ovarian cancer syndrome. Last evaluated: 2025-03-23. Review status: criteria provided, single submitter. Criteria: Invitae Variant Classification Sherloc (09022015). Collection method: clinical testing. Allele origin: germline.

All of Us Research Program, National Institutes of Health
Classification: Likely benign for Breast-ovarian cancer, familial, susceptibility to, 1. Last evaluated: 2023-06-08. Review status: criteria provided, single submitter. Criteria: ACMG Guidelines, 2015. Collection method: clinical testing. Allele origin: germline. Inheritance: Autosomal dominant inheritance. Observed: 1 variant allele, 1 heterozygote.
Comment: This study involves interpretation of variants in research participants for the purpose of population health screening. Participant phenotype was not available at the time of variant classification. Additional details can be found in publication PMID: 35346344, PMCID: PMC8962531

Women's Health and Genetics/Laboratory Corporation of America, LabCorp
Classification: Likely benign. Last evaluated: 2021-04-18. Review status: criteria provided, single submitter. Criteria: LabCorp Variant Classification Summary - May 2015. Collection method: clinical testing. Allele origin: germline.

Ambry Genetics
Classification: Likely benign for Hereditary cancer-predisposing syndrome. Last evaluated: 2016-07-09. Review status: criteria provided, single submitter. Criteria: Ambry Variant Classification Scheme 2023. Collection method: clinical testing. Allele origin: germline.